The following is an entry in ClinVar:

ClinVar aggregate classification (germline): Uncertain significance (1 of 4 stars; one submission).

Conditions:
AHDC1-related disorder. Also called: AHDC1-related condition.

Submission:

PreventionGenetics, part of Exact Sciences
Classification: Uncertain significance for AHDC1-related condition. Last evaluated: 2023-01-17. Review status: criteria provided, single submitter. Criteria: ACMG Guidelines, 2015. Collection method: clinical testing. Allele origin: germline.
Comment: The AHDC1 c.31delA variant is predicted to result in a frameshift and premature protein termination (p.Thr11Leufs*106). To our knowledge, this variant has not been reported in the literature or in a large population database, indicating this variant is rare. This truncating variant occurs in the first coding exon and all other disease causing truncating variants have been reported downstream of this variant, so it possible that this variant can be rescued by alternative start codon. Although we suspect that this variant may be pathogenic, at this time, the clinical significance of this variant is uncertain due to the absence of conclusive functional and genetic evidence.

NM_001371928.1(AHDC1):c.31del (p.Thr11fs)

Gene: AHDC1 (AT-hook DNA binding motif containing 1; minus strand). Cytogenetic location: 1p36.11.
Variant type: Deletion.
Coding change: c.31del on transcript NM_001371928.1 (MANE Select); coding-DNA position 31, one base deleted (A; older notation c.31delA).
Protein change: p.Thr11fs; shifts the reading frame from threonine 11.
Molecular consequence: frameshift variant.
Genome position (GRCh38, 1-based): chr1:27,552,085, T deleted on the plus strand (A on the coding strand, the reverse complement: AHDC1 is on the minus strand). VCF-style (leftmost placement, unchanged base first): chr1-27552084-GT-G. GRCh37 (hg19) VCF-style: chr1-27878595-GT-G.
Other names: c.31del, p.Thr11fs (NM_001029882.3); c.31delA (NM_001029882.3); short protein forms T11fs.
Identifiers: ClinVar variation 2630039 (VCV002630039.1), dbSNP rs2522125357, ClinGen allele CA2695197992.
Genomic context (GRCh38, chr1:27,552,084, plus strand): 5'-CCGCCGGGGTAGTACTTGGGTTCCCGGAGGTAGTCAGGAGAGCTGCACACGGCACTGGAA[GT>G]CACCACCAGGCCCTGGGGCTTCACACGCATCCTGACCTTGTCCTCCGCAGGCCGCCGGGC-3'